The following is an entry in ClinVar:

ClinVar aggregate classification (germline): Uncertain significance. Review status: criteria provided, multiple submitters, no conflicts (2 of 4 stars). 2 submissions from 2 submitters: Uncertain significance (2). Last evaluated 2025-03-23.

Conditions:
Inborn genetic diseases. Identifiers: MedGen C0950123, MeSH D030342.
Mucolipidosis type IV (ML4). Also called: ML IV. Identifiers: Orphanet 578, MedGen C0238286, MONDO:0009653, OMIM 252650.

gnomAD v4.1: 15 of 1,614,134 alleles (0.00093%); highest among the groups gnomAD compares: African/African-American, 0.0013%; no homozygotes.

Submissions (2):

Ambry Genetics
Classification: Uncertain significance for Inborn genetic diseases. Last evaluated: 2025-03-23. Review status: criteria provided, single submitter. Criteria: Ambry Variant Classification Scheme 2023. Collection method: clinical testing. Allele origin: germline.
Comment: The p.M334I variant (also known as c.1002G>T), located in coding exon 9 of the MCOLN1 gene, results from a G to T substitution at nucleotide position 1002. The methionine at codon 334 is replaced by isoleucine, an amino acid with highly similar properties. This amino acid position is conserved. In addition, this alteration is predicted to be tolerated by in silico analysis. Based on the available evidence, the clinical significance of this variant remains unclear.

Revvity Omics, Revvity
Classification: Uncertain significance for Mucolipidosis type IV. Last evaluated: 2022-06-08. Review status: criteria provided, single submitter. Criteria: ACMG Guidelines, 2015. Collection method: clinical testing. Allele origin: germline.

NM_020533.3(MCOLN1):c.1002G>T (p.Met334Ile)

Gene: MCOLN1 (mucolipin TRP cation channel 1; plus strand). Cytogenetic location: 19p13.2.
Variant type: single nucleotide variant.
Coding change: c.1002G>T on transcript NM_020533.3 (MANE Select); coding-DNA position 1002, G replaced by T.
Protein change: p.Met334Ile; replaces methionine 334 with isoleucine.
Molecular consequence: missense variant.
Genome position (GRCh38, 1-based): chr19:7,528,838, G>T. VCF-style: chr19-7528838-G-T. GRCh37 (hg19) VCF-style: chr19-7593724-G-T.
Other names: c.1002G>T (NM_020533.2); short protein forms M334I.
Identifiers: ClinVar variation 2433678 (VCV002433678.4), dbSNP rs150778171, ClinGen allele CA9138997.